The following is an entry in ClinVar:

NM_000632.4(ITGAM):c.3361G>A (p.Ala1121Thr)

Gene: ITGAM (integrin subunit alpha M; plus strand). Cytogenetic location: 16p11.2.
Variant type: single nucleotide variant.
Coding change: c.3361G>A on transcript NM_000632.4 (MANE Select); coding-DNA position 3361, G replaced by A.
Protein change: p.Ala1121Thr; replaces alanine 1121 with threonine.
Molecular consequence: missense variant.
Genome position (GRCh38, 1-based): chr16:31,331,249, G>A. VCF-style: chr16-31331249-G-A. GRCh37 (hg19) VCF-style: chr16-31342570-G-A.
Other names: c.3364G>A, p.Ala1122Thr (NM_001145808.2); short protein forms A1121T, A1122T.
Identifiers: ClinVar variation 4998034 (VCV004998034.1).

ClinVar aggregate classification (germline): Uncertain significance (1 of 4 stars; one submission).

Conditions:
ITGAM-related disorder. Also called: ITGAM-related condition.

gnomAD v4.1: 3 of 1,612,008 alleles (0.00019%); highest among the groups gnomAD compares: Admixed American, 0.005%; no homozygotes.

Submission:

PreventionGenetics, part of Exact Sciences
Classification: Uncertain significance for ITGAM-related condition. Last evaluated: 2025-06-14. Review status: criteria provided, single submitter. Criteria: ACMG Guidelines, 2015. Collection method: clinical testing. Allele origin: germline.
Comment: The ITGAM c.3361G>A variant is predicted to result in the amino acid substitution p.Ala1121Thr. To our knowledge, this variant has not been reported in the literature. This variant is reported in 0.0058% of alleles in individuals of Latino descent in gnomAD. At this time, the clinical significance of this variant is uncertain due to the absence of conclusive functional and genetic evidence.